The following is an entry in ClinVar:

NM_000388.4(CASR):c.1009G>T (p.Val337Phe)

Gene: CASR (calcium sensing receptor; plus strand). Cytogenetic location: 3q21.1.
Variant type: single nucleotide variant.
Coding change: c.1009G>T on transcript NM_000388.4 (MANE Select); coding-DNA position 1009, G replaced by T.
Protein change: p.Val337Phe; replaces valine 337 with phenylalanine.
Molecular consequence: missense variant.
Genome position (GRCh38, 1-based): chr3:122,262,044, G>T. VCF-style: chr3-122262044-G-T. GRCh37 (hg19) VCF-style: chr3-121980891-G-T.
Other names: c.1009G>T, p.Val337Phe (NM_001178065.2); short protein forms V337F.
Identifiers: ClinVar variation 657574 (VCV000657574.9), dbSNP rs770237878, ClinGen allele CA2569574.

ClinVar aggregate classification (germline): Uncertain significance. Review status: criteria provided, multiple submitters, no conflicts (2 of 4 stars). 2 submissions from 2 submitters: Uncertain significance (2). Last evaluated 2022-05-12.

Conditions:
Autosomal dominant hypocalcemia 1 (HYPOC1). Also called: HYPOCALCEMIA, FAMILIAL. Identifiers: MedGen C3715128, MONDO:0011013, OMIM 601198.
Familial hypocalciuric hypercalcemia (FHH). Also called: Familial benign hypercalcemia. Identifiers: Orphanet 405, MedGen C1809471, MONDO:0018458.
Nephrolithiasis/nephrocalcinosis. Identifiers: MedGen CN580796.

Allele frequency attached by ClinVar (database versions not stated): gnomAD exomes below 0.00001; ExAC 0.00001.
gnomAD v4.1: 1 of 1,614,178 alleles (0.000062%); highest among the groups gnomAD compares: Non-Finnish European, 0.000085%; no homozygotes.

Submissions (2):

Ambry Genetics
Classification: Uncertain significance for Nephrolithiasis/nephrocalcinosis. Last evaluated: 2022-05-12. Review status: criteria provided, single submitter. Criteria: Ambry Variant Classification Scheme 2023. Collection method: clinical testing. Allele origin: germline.
Comment: The p.V337F variant (also known as c.1009G>T), located in coding exon 3 of the CASR gene, results from a G to T substitution at nucleotide position 1009. The valine at codon 337 is replaced by phenylalanine, an amino acid with highly similar properties. This amino acid position is conserved. In addition, this alteration is predicted to be deleterious by in silico analysis. Since supporting evidence is limited at this time, the clinical significance of this alteration remains unclear.

Labcorp Genetics (formerly Invitae), Labcorp
Classification: Uncertain significance for Familial hypocalciuric hypercalcemia; Autosomal dominant hypocalcemia 1. Last evaluated: 2022-04-12. Review status: criteria provided, single submitter. Criteria: Invitae Variant Classification Sherloc (09022015). Collection method: clinical testing. Allele origin: germline.
Comment: This variant has not been reported in the literature in individuals affected with CASR-related conditions. ClinVar contains an entry for this variant (Variation ID: 657574). Algorithms developed to predict the effect of missense changes on protein structure and function (SIFT, PolyPhen-2, Align-GVGD) all suggest that this variant is likely to be disruptive. In summary, the available evidence is currently insufficient to determine the role of this variant in disease. Therefore, it has been classified as a Variant of Uncertain Significance. This variant is present in population databases (rs770237878, gnomAD 0.0009%). This sequence change replaces valine, which is neutral and non-polar, with phenylalanine, which is neutral and non-polar, at codon 337 of the CASR protein (p.Val337Phe).